The following is an entry in ClinVar:

ClinVar aggregate classification (germline): Likely pathogenic (1 of 4 stars; one submission).

Submission:

CeGaT Center for Human Genetics Tuebingen
Classification: Likely pathogenic. Last evaluated: 2026-03-01. Review status: criteria provided, single submitter. Criteria: CeGaT Center For Human Genetics Tuebingen Variant Classification Criteria Version 2. Collection method: clinical testing. Allele origin: germline. Affected: yes. Observed: 1 variant allele.
Comment: FAN1: PM1, PM2, PM3

NM_014967.5(FAN1):c.2786A>C (p.Gln929Pro)

Genes: FAN1 (FANCD2 and FANCI associated nuclease 1; plus strand), MTMR10 (myotubularin related protein 10; minus strand). Cytogenetic location: 15q13.3.
Variant type: single nucleotide variant.
Coding change: c.2786A>C on transcript NM_014967.5 (MANE Select); coding-DNA position 2786, A replaced by C.
Protein change: p.Gln929Pro; replaces glutamine 929 with proline.
Molecular consequence: missense variant.
Genome position (GRCh38, 1-based): chr15:30,929,396, A>C. VCF-style: chr15-30929396-A-C. GRCh37 (hg19) VCF-style: chr15-31221599-A-C.
Other names: short protein forms Q929P.
Identifiers: ClinVar variation 4823840 (VCV004823840.4).